The following is an entry in ClinVar:

ClinVar aggregate classification (germline): Benign. Review status: criteria provided, multiple submitters, no conflicts (2 of 4 stars). 4 submissions from 4 submitters: Benign (3). 1 of the submissions does not count toward it. Last evaluated 2026-02-03.

Conditions:
Intellectual developmental disorder, autosomal recessive 37. Also called: Intellectual disability-hypotonia-spasticity-sleep disorder syndrome. Identifiers: Orphanet 356996, MedGen C3809672, MONDO:0014210, OMIM 615493.

Allele frequency attached by ClinVar (database versions not stated): 1000 Genomes Project 0.06869; 1000 Genomes Project 30x 0.06964; TOPMed 0.10121; ESP Exome Variant Server 0.11210.
gnomAD v4.1: 229,425 of 1,598,666 alleles (14%); highest among the groups gnomAD compares: Non-Finnish European, 16%; 18,282 homozygotes.

Submissions (4):

Labcorp Genetics (formerly Invitae), Labcorp
Classification: Benign. Last evaluated: 2026-02-03. Review status: criteria provided, single submitter. Criteria: Invitae Variant Classification Sherloc (09022015). Collection method: clinical testing. Allele origin: germline.

Genome-Nilou Lab
Classification: Benign for Intellectual developmental disorder, autosomal recessive 37. Last evaluated: 2021-07-14. Review status: criteria provided, single submitter. Criteria: ACMG Guidelines, 2015. Collection method: clinical testing. Allele origin: germline. Affected: no.

Breakthrough Genomics
Classification: Benign. Review status: criteria provided, single submitter. Criteria: ACMG Guidelines, 2015. Collection method: not provided. Allele origin: germline. Inheritance: Autosomal recessive inheritance. Affected: yes.

Genetic Services Laboratory, University of Chicago
Classification: Likely benign for AllHighlyPenetrant. Review status: no assertion criteria provided. Collection method: clinical testing. Allele origin: germline. Inheritance: Autosomal recessive inheritance. Not counted in ClinVar's aggregate classification.
Comment: Likely benign based on allele frequency in 1000 Genomes Project or ESP global frequency and its presence in a patient with a rare or unrelated disease phenotype. NOT Sanger confirmed.

NM_020987.5(ANK3):c.468C>G (p.Val156=)

Gene: ANK3 (ankyrin 3; minus strand). Cytogenetic location: 10q21.2.
Variant type: single nucleotide variant.
Coding change: c.468C>G on transcript NM_020987.5 (MANE Select); coding-DNA position 468, C replaced by G.
Protein change: p.Val156=; no amino-acid change (valine 156 retained).
Molecular consequence: synonymous variant.
Genome position (GRCh38, 1-based): chr10:60,270,176, G>C on the plus strand (C>G on the coding strand, the complement: ANK3 is on the minus strand). VCF-style: chr10-60270176-G-C. GRCh37 (hg19) VCF-style: chr10-62029934-G-C.
Other names: c.450C>G, p.Val150= (NM_001204403.2); c.417C>G, p.Val139= (NM_001204404.2); c.468C>G, p.Val156= (NM_001320874.2).
Identifiers: ClinVar variation 128372 (VCV000128372.18), dbSNP rs71495633, ClinGen allele CA151794.
Genomic context (GRCh38, chr10:60,270,176, plus strand): 5'-AAAACAGTATCTTACCTCTGTGGCTAGGCTCTGGCTTGCACCATTGTCAAGAAGAAACTT[G>C]ACAACTTCCAGGTGATTTTCCTGGGCTGCCATATACAATGGCGTGAAACCATTCTGCAAA-3'
Protein context (NP_066267.2, residues 146-166): MAAQENHLEV[Val156=]KFLLDNGASQ